The following is an entry in ClinVar:

ClinVar aggregate classification (germline): Uncertain significance (1 of 4 stars; one submission).

Allele frequency attached by ClinVar (database versions not stated): gnomAD exomes 0.00001; gnomAD 0.00011; TOPMed 0.00013.
gnomAD v4.1: 32 of 1,614,060 alleles (0.002%); highest among the groups gnomAD compares: African/African-American, 0.043%; no homozygotes.

Submission:

Labcorp Genetics (formerly Invitae), Labcorp
Classification: Uncertain significance. Last evaluated: 2023-04-15. Review status: criteria provided, single submitter. Criteria: Invitae Variant Classification Sherloc (09022015). Collection method: clinical testing. Allele origin: germline.
Comment: In summary, the available evidence is currently insufficient to determine the role of this variant in disease. Therefore, it has been classified as a Variant of Uncertain Significance. Experimental studies and prediction algorithms are not available or were not evaluated, and the effect of this variant on mRNA splicing is currently unknown. ClinVar contains an entry for this variant (Variation ID: 2141675). This sequence change affects codon 835 of the HYOU1 mRNA. It is a 'silent' change, meaning that it does not change the encoded amino acid sequence of the HYOU1 protein. This variant is present in population databases (rs151232109, gnomAD 0.05%). This variant has not been reported in the literature in individuals affected with HYOU1-related conditions.

NM_006389.5(HYOU1):c.2505C>T (p.Phe835=)

Gene: HYOU1 (hypoxia up-regulated 1; minus strand). Cytogenetic location: 11q23.3.
Variant type: single nucleotide variant.
Coding change: c.2505C>T on transcript NM_006389.5 (MANE Select); coding-DNA position 2505, C replaced by T.
Protein change: p.Phe835=; no amino-acid change (phenylalanine 835 retained).
Molecular consequence: synonymous variant.
Genome position (GRCh38, 1-based): chr11:119,047,952, G>A on the plus strand (C>T on the coding strand, the complement: HYOU1 is on the minus strand). VCF-style: chr11-119047952-G-A. GRCh37 (hg19) VCF-style: chr11-118918664-G-A.
Other names: c.2505C>T, p.Phe835= (NM_001130991.3, NM_001411041.1).
Identifiers: ClinVar variation 2141675 (VCV002141675.4), dbSNP rs151232109, ClinGen allele CA229618092.